The following is an entry in ClinVar:

NM_001366385.1(CARD14):c.675+1G>A

Gene: CARD14 (caspase recruitment domain family member 14; plus strand). Cytogenetic location: 17q25.3.
Variant type: single nucleotide variant.
Coding change: c.675+1G>A on transcript NM_001366385.1 (MANE Select); the canonical splice donor site of the intron after coding-DNA position 675, G replaced by A.
Molecular consequence: splice donor variant.
Genome position (GRCh38, 1-based): chr17:80,184,239, G>A. VCF-style: chr17-80184239-G-A. GRCh37 (hg19) VCF-style: chr17-78158038-G-A.
Other names: c.675+1G>A (NM_024110.4, NM_001257970.1).
Identifiers: ClinVar variation 1395567 (VCV001395567.8), dbSNP rs2144188633, ClinGen allele CA401338267.

ClinVar aggregate classification (germline): Uncertain significance (1 of 4 stars; one submission).

Conditions:
Pityriasis rubra pilaris (PRP). Also called: Pityriasis rubra pilaris--familial type. Identifiers: Orphanet 2897, MedGen C0032027, MONDO:0100017, OMIM 173200, MONDO:0008251.
Psoriasis 2. Identifiers: MedGen C1864497, MONDO:0011269, OMIM 602723.

gnomAD v4.1: 1 of 1,519,178 alleles (0.000066%); no homozygotes.

Submission:

Labcorp Genetics (formerly Invitae), Labcorp
Classification: Uncertain significance for Pityriasis rubra pilaris; Psoriasis 2. Last evaluated: 2022-07-19. Review status: criteria provided, single submitter. Criteria: Invitae Variant Classification Sherloc (09022015). Collection method: clinical testing. Allele origin: germline.
Comment: In summary, the available evidence is currently insufficient to determine the role of this variant in disease. Therefore, it has been classified as a Variant of Uncertain Significance. Algorithms developed to predict the effect of sequence changes on RNA splicing suggest that this variant may disrupt the consensus splice site. ClinVar contains an entry for this variant (Variation ID: 1395567). This variant has not been reported in the literature in individuals affected with CARD14-related conditions. This variant is not present in population databases (gnomAD no frequency). This sequence change affects a donor splice site in intron 4 of the CARD14 gene. It is expected to disrupt RNA splicing. Variants that disrupt the donor or acceptor splice site typically lead to a loss of protein function (PMID: 16199547), however the current clinical and genetic evidence is not sufficient to establish whether loss-of-function variants in CARD14 cause disease.

Literature cited by the submitters: PubMed 16199547.